The following is an entry in ClinVar:

NM_000051.4(ATM):c.6808-18A>T

Genes: ATM (ATM serine/threonine kinase; plus strand), C11orf65 (chromosome 11 open reading frame 65; minus strand). Cytogenetic location: 11q22.3.
Variant type: single nucleotide variant.
Coding change: c.6808-18A>T on transcript NM_000051.4 (MANE Select); 18 bases into the intron before coding-DNA position 6808, A replaced by T.
Molecular consequence: intron variant.
Genome position (GRCh38, 1-based): chr11:108,326,040, A>T. VCF-style: chr11-108326040-A-T. GRCh37 (hg19) VCF-style: chr11-108196767-A-T.
Other names: c.6808-18A>T (NM_001351834.2); c.641-16969T>A (NM_001330368.2); c.*38+9180T>A (NM_001351110.2).
Identifiers: ClinVar variation 490673 (VCV000490673.12), dbSNP rs1166582977, ClinGen allele CA601726068.

ClinVar aggregate classification (germline): Likely benign. Review status: criteria provided, multiple submitters, no conflicts (2 of 4 stars). 3 submissions from 3 submitters: Likely benign (3). Last evaluated 2025-11-04.

Conditions:
Hereditary cancer-predisposing syndrome. Also called: Neoplastic Syndromes, Hereditary; Hereditary Cancer Syndrome; Tumor predisposition; Hereditary neoplastic syndrome. Identifiers: Orphanet 140162, MedGen C0027672, MeSH D009386, MONDO:0015356.
Familial cancer of breast. Also called: Hereditary breast cancer; BREAST CANCER, FAMILIAL; hereditary breast carcinoma. Identifiers: Orphanet 227535, MedGen C0346153, MONDO:0016419, OMIM 114480. Disease mechanism: loss of function.
Ataxia-telangiectasia syndrome (AT). Also called: LOUIS-BAR SYNDROME; Cerebello-oculocutaneous telangiectasia; Immunodeficiency with ataxia telangiectasia; Ataxia-telangiectasia, complementation group D; AT, COMPLEMENTATION GROUP C; Ataxia-telangiectasia, complementation group E. Identifiers: Orphanet 100, MedGen C0004135, MONDO:0008840, OMIM 208900.

Allele frequency attached by ClinVar (database versions not stated): gnomAD exomes below 0.00001.
gnomAD v4.1: 1 of 1,612,484 alleles (0.000062%); highest among the groups gnomAD compares: Admixed American, 0.0017%; no homozygotes.

Submissions (3):

Labcorp Genetics (formerly Invitae), Labcorp
Classification: Likely benign for Ataxia-telangiectasia syndrome. Last evaluated: 2025-11-04. Review status: criteria provided, single submitter. Criteria: Invitae Variant Classification Sherloc (09022015). Collection method: clinical testing. Allele origin: germline.

Myriad Genetics, Inc.
Classification: Likely benign for Familial cancer of breast. Last evaluated: 2024-06-12. Review status: criteria provided, single submitter. Criteria: Myriad Autosomal Dominant, Autosomal Recessive and X-Linked Classification Criteria (2023). Collection method: clinical testing. Allele origin: unknown.
Comment: This variant is considered likely benign. This variant is intronic and is not expected to impact mRNA splicing.

Color Diagnostics, LLC DBA Color Health
Classification: Likely benign for Hereditary cancer-predisposing syndrome. Last evaluated: 2017-04-03. Review status: criteria provided, single submitter. Criteria: ACMG Guidelines, 2015. Collection method: clinical testing. Allele origin: germline.